The following is an entry in ClinVar:

NM_003482.4(KMT2D):c.16164C>G (p.Tyr5388Ter)

Gene: KMT2D (lysine methyltransferase 2D; minus strand). Cytogenetic location: 12q13.12.
Variant type: single nucleotide variant.
Coding change: c.16164C>G on transcript NM_003482.4 (MANE Select); coding-DNA position 16164, C replaced by G.
Protein change: p.Tyr5388Ter; replaces tyrosine 5388 with a stop codon.
Molecular consequence: nonsense.
Genome position (GRCh38, 1-based): chr12:49,022,764, G>C on the plus strand (C>G on the coding strand, the complement: KMT2D is on the minus strand). VCF-style: chr12-49022764-G-C. GRCh37 (hg19) VCF-style: chr12-49416547-G-C.
Other names: short protein forms Y5388*.
Identifiers: ClinVar variation 4083512 (VCV004083512.1).

ClinVar aggregate classification (germline): Pathogenic (1 of 4 stars; one submission).

Conditions:
Kabuki syndrome 1 (KABUK1). Also called: KMT2D-Related Kabuki Syndrome. Identifiers: Orphanet 2322, MedGen CN030661, MONDO:0007843, OMIM 147920.

Submission:

Molecular Genetics Laboratory, Motol Hospital
Classification: Pathogenic for Kabuki syndrome 1. Last evaluated: 2025-08-14. Review status: criteria provided, single submitter. Criteria: ACMG Guidelines, 2015. Collection method: clinical testing. Allele origin: de novo. Affected: yes. Observed: 1 variant allele.
Comment: Not present in gnomAD (v4.1.0), dbSNP or ClinVar (PM2). Rare truncating variants affecting the KMT2D gene are aasociated with "Kabuki syndrome 1" (KABUK1, MIM:147920; PMID:32803813;PMID:24633898).To conclude, the variant is classified as pathogenic (ACMG PM2, PS2, PVS1).

Literature cited by the submitters: PubMed 32803813; PubMed 24633898.